The following is an entry in ClinVar:

NM_001794.5(CDH4):c.1153G>A (p.Val385Met)

Gene: CDH4 (cadherin 4; plus strand). Cytogenetic location: 20q13.33.
Variant type: single nucleotide variant.
Coding change: c.1153G>A on transcript NM_001794.5 (MANE Select); coding-DNA position 1153, G replaced by A.
Protein change: p.Val385Met; replaces valine 385 with methionine.
Molecular consequence: missense variant.
Genome position (GRCh38, 1-based): chr20:61,895,012, G>A. VCF-style: chr20-61895012-G-A. GRCh37 (hg19) VCF-style: chr20-60470068-G-A.
Other names: c.1042G>A, p.Val348Met (NM_001252338.2); c.931G>A, p.Val311Met (NM_001252339.3); short protein forms V311M, V348M, V385M.
Identifiers: ClinVar variation 3053924 (VCV003053924.2), dbSNP rs138274161, ClinGen allele CA9934607.

ClinVar aggregate classification (germline): Likely benign (0 of 4 stars; one submission).

Conditions:
CDH4-related disorder. Also called: CDH4-related condition.

Allele frequency attached by ClinVar (database versions not stated): gnomAD exomes 0.00004; ExAC 0.00020; gnomAD 0.00042; TOPMed 0.00053; 1000 Genomes Project 30x 0.00062; 1000 Genomes Project 0.00080; ESP Exome Variant Server 0.00085.
gnomAD v4.1: 118 of 1,613,910 alleles (0.0073%); highest among the groups gnomAD compares: African/African-American, 0.14%; no homozygotes.

Submission:

PreventionGenetics, part of Exact Sciences
Classification: Likely benign for CDH4-related condition. Last evaluated: 2022-07-08. Review status: no assertion criteria provided. Collection method: clinical testing. Allele origin: germline.
Comment: This variant is classified as likely benign based on ACMG/AMP sequence variant interpretation guidelines (Richards et al. 2015 PMID: 25741868, with internal and published modifications).